The following is an entry in ClinVar:

ClinVar aggregate classification (germline): Likely benign (1 of 4 stars; one submission).

Conditions:
EFR3A-related disorder. Also called: EFR3A-related condition.

gnomAD v4.1: 6 of 1,569,734 alleles (0.00038%); highest among the groups gnomAD compares: African/African-American, 0.0068%; no homozygotes.

Submission:

PreventionGenetics, part of Exact Sciences
Classification: Likely benign for EFR3A-related condition. Last evaluated: 2024-10-09. Review status: criteria provided, single submitter. Criteria: ACMG Guidelines, 2015. Collection method: clinical testing. Allele origin: germline.
Comment: This variant is classified as likely benign based on ACMG/AMP sequence variant interpretation guidelines (Richards et al. 2015 PMID: 25741868, with internal and published modifications).

NM_015137.6(EFR3A):c.366+10A>G

Gene: EFR3A (EFR3 homolog A; plus strand). Cytogenetic location: 8q24.22.
Variant type: single nucleotide variant.
Coding change: c.366+10A>G on transcript NM_015137.6 (MANE Select); 10 bases into the intron after coding-DNA position 366, A replaced by G.
Molecular consequence: intron variant.
Genome position (GRCh38, 1-based): chr8:131,946,643, A>G. VCF-style: chr8-131946643-A-G. GRCh37 (hg19) VCF-style: chr8-132958890-A-G.
Other names: c.258+10A>G (NM_001323555.2, NM_001323554.2, NM_001323553.2 and 2 more transcripts); c.366+10A>G (NM_001323558.2).
Identifiers: ClinVar variation 4985470 (VCV004985470.1).